The following is an entry in ClinVar:

NM_004360.5(CDH1):c.241G>C (p.Gly81Arg)

Gene: CDH1 (cadherin 1; plus strand). Cytogenetic location: 16q22.1.
Variant type: single nucleotide variant.
Coding change: c.241G>C on transcript NM_004360.5 (MANE Select); coding-DNA position 241, G replaced by C.
Protein change: p.Gly81Arg; replaces glycine 81 with arginine.
Molecular consequence: missense variant. On other transcripts: 5 prime UTR variant (2).
Genome position (GRCh38, 1-based): chr16:68,801,747, G>C. VCF-style: chr16-68801747-G-C. GRCh37 (hg19) VCF-style: chr16-68835650-G-C.
Other names: c.241G>C, p.Gly81Arg (NM_001317184.2); c.-1375G>C (NM_001317185.2); c.-1579G>C (NM_001317186.2); short protein forms G81R.
Identifiers: ClinVar variation 2846888 (VCV002846888.3), dbSNP rs1060501225, ClinGen allele CA396457223.

ClinVar aggregate classification (germline): Uncertain significance (1 of 4 stars; one submission).

Conditions:
Hereditary diffuse gastric adenocarcinoma (HDGC). Also called: DIFFUSE GASTRIC AND LOBULAR BREAST CANCER SYNDROME. Identifiers: Orphanet 26106, MedGen C1708349, MONDO:0007648, OMIM 137215.

Submission:

Labcorp Genetics (formerly Invitae), Labcorp
Classification: Uncertain significance for Hereditary diffuse gastric adenocarcinoma. Last evaluated: 2023-03-18. Review status: criteria provided, single submitter. Criteria: Invitae Variant Classification Sherloc (09022015). Collection method: clinical testing. Allele origin: germline.
Comment: In summary, the available evidence is currently insufficient to determine the role of this variant in disease. Therefore, it has been classified as a Variant of Uncertain Significance. An algorithm developed to predict the effect of missense changes on protein structure and function (PolyPhen-2) suggests that this variant is likely to be disruptive. This variant has not been reported in the literature in individuals affected with CDH1-related conditions. This variant is not present in population databases (gnomAD no frequency). This sequence change replaces glycine, which is neutral and non-polar, with arginine, which is basic and polar, at codon 81 of the CDH1 protein (p.Gly81Arg).